The following is an entry in ClinVar:

ClinVar aggregate classification (germline): Likely pathogenic (1 of 4 stars; one submission).

Conditions:
Intellectual disability-facial dysmorphism syndrome due to SETD5 haploinsufficiency (MRD23). Also called: Intellectual developmental disorder, autosomal dominant 23. Identifiers: Orphanet 404440, MedGen C3810406, MONDO:0014336, OMIM 615761.

Submission:

3billion
Classification: Likely pathogenic for Intellectual disability-facial dysmorphism syndrome due to SETD5 haploinsufficiency. Last evaluated: 2024-11-27. Review status: criteria provided, single submitter. Criteria: ACMG Guidelines, 2015. Collection method: clinical testing. Allele origin: germline. Affected: yes.
Comment: The variant is not observed in the gnomAD v4.1.0 dataset. Predicted Consequence/Location: Frameshift: predicted to result in a loss or disruption of normal protein function through nonsense-mediated decay (NMD) or protein truncation. Multiple pathogenic variants are reported downstream of the variant. Therefore, this variant is classified as Likely pathogenic according to the recommendation of ACMG/AMP guideline.

NM_001080517.3(SETD5):c.1708del (p.Ser570fs)

Gene: SETD5 (SET domain containing 5; plus strand). Cytogenetic location: 3p25.3.
Variant type: Deletion.
Coding change: c.1708del on transcript NM_001080517.3 (MANE Select); coding-DNA position 1708, one base deleted (T; older notation c.1708delT).
Protein change: p.Ser570fs; shifts the reading frame from serine 570.
Molecular consequence: frameshift variant.
Genome position (GRCh38, 1-based): chr3:9,447,233, T deleted. VCF-style (leftmost placement, unchanged base first): chr3-9447232-CT-C. GRCh37 (hg19) VCF-style: chr3-9488916-CT-C.
Other names: c.1414del, p.Ser472fs (NM_001292043.2, NM_001349451.2); c.1804del, p.Ser602fs (NM_001437633.1); c.1765del, p.Ser589fs (NM_001437635.1); c.1708del, p.Ser570fs (NM_001437643.1); c.1747del, p.Ser583fs (NM_001437701.1); short protein forms S472fs, S570fs, S583fs, S589fs, S602fs.
Identifiers: ClinVar variation 4292792 (VCV004292792.1).